The following is an entry in ClinVar:

ClinVar aggregate classification (germline): Uncertain significance. Review status: criteria provided, multiple submitters, no conflicts (2 of 4 stars). 4 submissions from 4 submitters: Uncertain significance (4). Last evaluated 2026-10-13.

Conditions:
FGFR3-related disorder. Also called: FGFR3-related disorders.

Allele frequency attached by ClinVar (database versions not stated): ExAC 0.00001; gnomAD 0.00002; TOPMed 0.00002.

Submissions (4):

GeneDx
Classification: Uncertain significance. Last evaluated: 2026-10-13. Review status: criteria provided, single submitter. Criteria: GeneDx Variant Classification Process June 2021. Collection method: clinical testing. Allele origin: germline.
Comment: In silico analysis supports that this missense variant has a deleterious effect on protein structure/function; Has not been previously published as pathogenic or benign to our knowledge

Labcorp Genetics (formerly Invitae), Labcorp
Classification: Uncertain significance. Last evaluated: 2023-11-27. Review status: criteria provided, single submitter. Criteria: Invitae Variant Classification Sherloc (09022015). Collection method: clinical testing. Allele origin: germline.
Comment: This sequence change replaces serine, which is neutral and polar, with phenylalanine, which is neutral and non-polar, at codon 693 of the FGFR3 protein (p.Ser693Phe). This variant is present in population databases (rs760292339, gnomAD 0.004%). This variant has not been reported in the literature in individuals affected with FGFR3-related conditions. ClinVar contains an entry for this variant (Variation ID: 1911047). Advanced modeling of protein sequence and biophysical properties (such as structural, functional, and spatial information, amino acid conservation, physicochemical variation, residue mobility, and thermodynamic stability) has been performed at Invitae for this missense variant, however the output from this modeling did not meet the statistical confidence thresholds required to predict the impact of this variant on FGFR3 protein function. In summary, the available evidence is currently insufficient to determine the role of this variant in disease. Therefore, it has been classified as a Variant of Uncertain Significance.

PreventionGenetics, part of Exact Sciences
Classification: Uncertain significance for FGFR3-related condition. Last evaluated: 2023-08-01. Review status: criteria provided, single submitter. Criteria: ACMG Guidelines, 2015. Collection method: clinical testing. Allele origin: germline.
Comment: The FGFR3 c.2078C>T variant is predicted to result in the amino acid substitution p.Ser693Phe. To our knowledge, this variant has not been reported in the literature. This variant is reported in 0.0040% of alleles in individuals of African descent in gnomAD. At this time, the clinical significance of this variant is uncertain due to the absence of conclusive functional and genetic evidence.

Revvity Omics, Revvity
Classification: Uncertain significance. Last evaluated: 2019-12-02. Review status: criteria provided, single submitter. Criteria: ACMG Guidelines, 2015. Collection method: clinical testing. Allele origin: germline.

NM_000142.5(FGFR3):c.2078C>T (p.Ser693Phe)

Gene: FGFR3 (fibroblast growth factor receptor 3; plus strand). Cytogenetic location: 4p16.3.
Variant type: single nucleotide variant.
Coding change: c.2078C>T on transcript NM_000142.5 (MANE Select); coding-DNA position 2078, C replaced by T.
Protein change: p.Ser693Phe; replaces serine 693 with phenylalanine.
Molecular consequence: missense variant. On other transcripts: synonymous variant (1), non-coding transcript variant (1).
Genome position (GRCh38, 1-based): chr4:1,806,593, C>T. VCF-style: chr4-1806593-C-T. GRCh37 (hg19) VCF-style: chr4-1808320-C-T.
Other names: c.2084C>T, p.Ser695Phe (NM_001163213.2); c.2081C>T, p.Ser694Phe (NM_001354809.2); c.2010C>T, p.Leu670= (NM_001354810.2); c.1742C>T, p.Ser581Phe (NM_022965.4); short protein forms S581F, S695F, S693F, S694F.
Identifiers: ClinVar variation 1911047 (VCV001911047.11), dbSNP rs760292339, ClinGen allele CA2810717.